The following is an entry in ClinVar:

ClinVar aggregate classification (germline): Uncertain significance. Review status: criteria provided, multiple submitters, no conflicts (2 of 4 stars). 2 submissions from 2 submitters: Uncertain significance (2). Last evaluated 2024-02-28.

Conditions:
Inborn genetic diseases. Identifiers: MedGen C0950123, MeSH D030342.

Allele frequency attached by ClinVar (database versions not stated): gnomAD 0.00022; TOPMed 0.00028; ExAC 0.00031; ESP Exome Variant Server 0.00015; 1000 Genomes Project 30x 0.00016; 1000 Genomes Project 0.00020.
gnomAD v4.1: 467 of 1,503,626 alleles (0.031%); highest among the groups gnomAD compares: Middle Eastern, 2.2%; 7 homozygotes.

Submissions (2):

Ambry Genetics
Classification: Uncertain significance for Inborn genetic diseases. Last evaluated: 2024-02-28. Review status: criteria provided, single submitter. Criteria: Ambry Variant Classification Scheme 2023. Collection method: clinical testing. Allele origin: germline.

Labcorp Genetics (formerly Invitae), Labcorp
Classification: Uncertain significance. Last evaluated: 2023-12-07. Review status: criteria provided, single submitter. Criteria: Invitae Variant Classification Sherloc (09022015). Collection method: clinical testing. Allele origin: germline.
Comment: This sequence change replaces isoleucine, which is neutral and non-polar, with methionine, which is neutral and non-polar, at codon 336 of the LIPH protein (p.Ile336Met). This variant is present in population databases (rs150976315, gnomAD 0.07%). This variant has not been reported in the literature in individuals affected with LIPH-related conditions. ClinVar contains an entry for this variant (Variation ID: 2037509). Advanced modeling of protein sequence and biophysical properties (such as structural, functional, and spatial information, amino acid conservation, physicochemical variation, residue mobility, and thermodynamic stability) performed at Invitae indicates that this missense variant is not expected to disrupt LIPH protein function with a negative predictive value of 80%. In summary, the available evidence is currently insufficient to determine the role of this variant in disease. Therefore, it has been classified as a Variant of Uncertain Significance.

NM_139248.3(LIPH):c.1008A>G (p.Ile336Met)

Gene: LIPH (lipase H; minus strand). Cytogenetic location: 3q27.2.
Variant type: single nucleotide variant.
Coding change: c.1008A>G on transcript NM_139248.3 (MANE Select); coding-DNA position 1008, A replaced by G.
Protein change: p.Ile336Met; replaces isoleucine 336 with methionine.
Molecular consequence: missense variant.
Genome position (GRCh38, 1-based): chr3:185,514,496, T>C on the plus strand (A>G on the coding strand, the complement: LIPH is on the minus strand). VCF-style: chr3-185514496-T-C. GRCh37 (hg19) VCF-style: chr3-185232284-T-C.
Other names: short protein forms I336M.
Identifiers: ClinVar variation 2037509 (VCV002037509.3), dbSNP rs150976315, ClinGen allele CA2740418.